The following is an entry in ClinVar:

NM_173660.5(DOK7):c.1378C>T (p.Gln460Ter)

Gene: DOK7 (docking protein 7; plus strand). Cytogenetic location: 4p16.3.
Variant type: single nucleotide variant.
Coding change: c.1378C>T on transcript NM_173660.5 (MANE Select); coding-DNA position 1378, C replaced by T.
Protein change: p.Gln460Ter; replaces glutamine 460 with a stop codon.
Molecular consequence: nonsense. On other transcripts: 3 prime UTR variant (1).
Genome position (GRCh38, 1-based): chr4:3,493,364, C>T. VCF-style: chr4-3493364-C-T. GRCh37 (hg19) VCF-style: chr4-3495091-C-T.
Other names: c.*599C>T (NM_001164673.2); c.448C>T, p.Gln150Ter (NM_001256896.2); c.1378C>T, p.Gln460Ter (NM_001301071.2); c.946C>T, p.Gln316Ter (NM_001363811.2); short protein forms Q316*, Q460*, Q150*.
Identifiers: ClinVar variation 2925373 (VCV002925373.4), dbSNP rs1355424790, ClinGen allele CA356117858.
Genomic context (GRCh38, chr4:3,493,364, plus strand): 5'-GCCGGGTGTCCCTCTGGCTGGCTGGGCACGAGACGGCGGGGCCTGGTGATGGAGGCCCCC[C>T]AGGGCAGCGAGGCCACACTGCCTGGCCCTGCCCCTGGCGAGCCCTGGGAAGCAGGCGGCC-3'

ClinVar aggregate classification (germline): Pathogenic. Review status: criteria provided, multiple submitters, no conflicts (2 of 4 stars). 2 submissions from 2 submitters: Pathogenic (2). Last evaluated 2024-03-14.

Conditions:
Fetal akinesia deformation sequence 1 (FADS1). Also called: Fetal akinesia sequence; Pena-Shokeir syndrome type I. Identifiers: Orphanet 994, MedGen C1276035, MONDO:0100101, OMIM 208150, HP:0001989.
Congenital myasthenic syndrome 10. Also called: Myasthenia, limb-girdle, familial. Identifiers: Orphanet 590, MedGen C1850792, MONDO:0009690, OMIM 254300.
Fetal akinesia deformation sequence 3. Identifiers: MedGen C4760599, MONDO:0100103, OMIM 618389.

Allele frequency attached by ClinVar (database versions not stated): gnomAD exomes 0.00001.
gnomAD v4.1: 7 of 1,597,866 alleles (0.00044%); highest among the groups gnomAD compares: Non-Finnish European, 0.0006%; no homozygotes.

Submissions (2):

Baylor Genetics
Classification: Pathogenic for Fetal akinesia deformation sequence 3. Last evaluated: 2024-03-14. Review status: criteria provided, single submitter. Criteria: ACMG Guidelines, 2015. Collection method: clinical testing. Allele origin: unknown.

Labcorp Genetics (formerly Invitae), Labcorp
Classification: Pathogenic for Congenital myasthenic syndrome 10; Fetal akinesia deformation sequence 1. Last evaluated: 2023-12-04. Review status: criteria provided, single submitter. Criteria: Invitae Variant Classification Sherloc (09022015). Collection method: clinical testing. Allele origin: germline.
Comment: This sequence change creates a premature translational stop signal (p.Gln460*) in the DOK7 gene. While this is not anticipated to result in nonsense mediated decay, it is expected to disrupt the last 45 amino acid(s) of the DOK7 protein. The frequency data for this variant in the population databases is considered unreliable, as metrics indicate poor data quality at this position in the gnomAD database. This premature translational stop signal has been observed in individual(s) with congenital myasthenic syndrome (PMID: 20458068). This variant disrupts a region of the DOK7 protein in which other variant(s) (p.Pro486Argfs*15) have been determined to be pathogenic (PMID: 29118959). This suggests that this is a clinically significant region of the protein, and that variants that disrupt it are likely to be disease-causing. For these reasons, this variant has been classified as Pathogenic.

Literature cited by the submitters: PubMed 20458068 (cited by Labcorp Genetics (formerly Invitae), Labcorp); PubMed 29118959 (cited by Labcorp Genetics (formerly Invitae), Labcorp).